The following is an entry in ClinVar:

NM_015488.5(PNKD):c.1079C>G (p.Pro360Arg)

Genes: CATIP-AS2 (CATIP antisense RNA 2; minus strand), PNKD (PNKD metallo-beta-lactamase domain containing; plus strand). Cytogenetic location: 2q35.
Variant type: single nucleotide variant.
Coding change: c.1079C>G on transcript NM_015488.5 (MANE Select); coding-DNA position 1079, C replaced by G.
Protein change: p.Pro360Arg; replaces proline 360 with arginine.
Molecular consequence: missense variant.
Genome position (GRCh38, 1-based): chr2:218,344,902, C>G. VCF-style: chr2-218344902-C-G. GRCh37 (hg19) VCF-style: chr2-219209625-C-G.
Other names: c.1007C>G, p.Pro336Arg (NM_022572.5); short protein forms P360R, P336R.
Identifiers: ClinVar variation 3715566 (VCV003715566.2).

ClinVar aggregate classification (germline): Uncertain significance (1 of 4 stars; one submission).

Conditions:
Paroxysmal nonkinesigenic dyskinesia. Also called: Paroxysmal non-kinesigenic dyskinesia. Identifiers: Orphanet 98810, MedGen C1869117, MONDO:0700088.

gnomAD v4.1: 2 of 1,614,014 alleles (0.00012%); highest among the groups gnomAD compares: Non-Finnish European, 0.00017%; no homozygotes.

Submission:

Labcorp Genetics (formerly Invitae), Labcorp
Classification: Uncertain significance for Paroxysmal nonkinesigenic dyskinesia. Last evaluated: 2024-12-10. Review status: criteria provided, single submitter. Criteria: Invitae Variant Classification Sherloc (09022015). Collection method: clinical testing. Allele origin: germline.
Comment: This sequence change replaces proline, which is neutral and non-polar, with arginine, which is basic and polar, at codon 360 of the PNKD protein (p.Pro360Arg). This variant is not present in population databases (gnomAD no frequency). This variant has not been reported in the literature in individuals affected with PNKD-related conditions. An algorithm developed to predict the effect of missense changes on protein structure and function (PolyPhen-2) suggests that this variant is likely to be tolerated. In summary, the available evidence is currently insufficient to determine the role of this variant in disease. Therefore, it has been classified as a Variant of Uncertain Significance.